The following is an entry in ClinVar:

ClinVar aggregate classification (germline): Uncertain significance (1 of 4 stars; one submission).

Conditions:
PHGDH deficiency. Identifiers: Orphanet 79351, MedGen C1866174, MONDO:0011152, OMIM 601815.

Allele frequency attached by ClinVar (database versions not stated): ExAC 0.00001; TOPMed 0.00002; gnomAD 0.00003.
gnomAD v4.1: 142 of 1,613,552 alleles (0.0088%); highest among the groups gnomAD compares: East Asian, 0.011%; no homozygotes.

Submission:

Labcorp Genetics (formerly Invitae), Labcorp
Classification: Uncertain significance for PHGDH deficiency. Last evaluated: 2022-09-01. Review status: criteria provided, single submitter. Criteria: Invitae Variant Classification Sherloc (09022015). Collection method: clinical testing. Allele origin: germline.
Comment: This sequence change replaces alanine, which is neutral and non-polar, with valine, which is neutral and non-polar, at codon 386 of the PHGDH protein (p.Ala386Val). This variant is present in population databases (rs768396645, gnomAD 0.004%). This variant has not been reported in the literature in individuals affected with PHGDH-related conditions. Algorithms developed to predict the effect of missense changes on protein structure and function output the following: SIFT: "Tolerated"; PolyPhen-2: "Benign"; Align-GVGD: "Class C0". The valine amino acid residue is found in multiple mammalian species, which suggests that this missense change does not adversely affect protein function. Algorithms developed to predict the effect of sequence changes on RNA splicing suggest that this variant may create or strengthen a splice site. In summary, the available evidence is currently insufficient to determine the role of this variant in disease. Therefore, it has been classified as a Variant of Uncertain Significance.

NM_006623.4(PHGDH):c.1157C>T (p.Ala386Val)

Gene: PHGDH (phosphoglycerate dehydrogenase; plus strand). Cytogenetic location: 1p12.
Variant type: single nucleotide variant.
Coding change: c.1157C>T on transcript NM_006623.4 (MANE Select); coding-DNA position 1157, C replaced by T.
Protein change: p.Ala386Val; replaces alanine 386 with valine.
Molecular consequence: missense variant.
Genome position (GRCh38, 1-based): chr1:119,741,845, C>T. VCF-style: chr1-119741845-C-T. GRCh37 (hg19) VCF-style: chr1-120284468-C-T.
Other names: short protein forms A386V.
Identifiers: ClinVar variation 2059064 (VCV002059064.1), dbSNP rs768396645, ClinGen allele CA1037377.
Genomic context (GRCh38, chr1:119,741,845, plus strand): 5'-CTGGGAACTGCCTAAGCCCCGCAGTCATTGTCGGCCTCCTGAAAGAGGCTTCCAAGCAGG[C>T]GGATGTGAACTTGGTGAACGCTAAGCTGCTGGTGAAAGAGGCTGGCCTCAATGTGCGCCC-3'
Protein context (NP_006614.2, residues 376-396): VGLLKEASKQ[Ala386Val]DVNLVNAKLL